The following is an entry in ClinVar:

NM_001614.5(ACTG1):c.737A>T (p.Gln246Leu)

Gene: ACTG1 (actin gamma 1; minus strand). Cytogenetic location: 17q25.3.
Variant type: single nucleotide variant.
Coding change: c.737A>T on transcript NM_001614.5 (MANE Select); coding-DNA position 737, A replaced by T.
Protein change: p.Gln246Leu; replaces glutamine 246 with leucine.
Molecular consequence: missense variant. On other transcripts: non-coding transcript variant (1).
Genome position (GRCh38, 1-based): chr17:81,511,253, T>A on the plus strand (A>T on the coding strand, the complement: ACTG1 is on the minus strand). VCF-style: chr17-81511253-T-A. GRCh37 (hg19) VCF-style: chr17-79478279-T-A.
Other names: c.737A>T, p.Gln246Leu (NM_001199954.3); short protein forms Q246L.
Identifiers: ClinVar variation 561703 (VCV000561703.6), dbSNP rs1568061110, ClinGen allele CA401459890.

ClinVar aggregate classification (germline): Uncertain significance. Review status: criteria provided, multiple submitters, no conflicts (2 of 4 stars). 2 submissions from 2 submitters: Uncertain significance (2). Last evaluated 2021-11-18.

Conditions:
Autosomal dominant nonsyndromic hearing loss 20. Identifiers: Orphanet 90635, MedGen C1858172, MONDO:0011480, OMIM 604717.
Baraitser-winter syndrome 2. Identifiers: Orphanet 2995, MedGen C3281235, MONDO:0013812, OMIM 614583.

Submissions (2):

Labcorp Genetics (formerly Invitae), Labcorp
Classification: Uncertain significance for Baraitser-winter syndrome 2; Autosomal dominant nonsyndromic hearing loss 20. Last evaluated: 2021-11-18. Review status: criteria provided, single submitter. Criteria: Invitae Variant Classification Sherloc (09022015). Collection method: clinical testing. Allele origin: germline.
Comment: ClinVar contains an entry for this variant (Variation ID: 561703). This variant has not been reported in the literature in individuals affected with ACTG1-related conditions. This variant is not present in population databases (gnomAD no frequency). This sequence change replaces glutamine, which is neutral and polar, with leucine, which is neutral and non-polar, at codon 246 of the ACTG1 protein (p.Gln246Leu). In summary, the available evidence is currently insufficient to determine the role of this variant in disease. Therefore, it has been classified as a Variant of Uncertain Significance. Algorithms developed to predict the effect of missense changes on protein structure and function are either unavailable or do not agree on the potential impact of this missense change (SIFT: "Deleterious"; PolyPhen-2: "Possibly Damaging"; Align-GVGD: "Class C0").

GeneDx
Classification: Uncertain significance. Last evaluated: 2017-12-18. Review status: criteria provided, single submitter. Criteria: GeneDx Variant Classification (06012015). Collection method: clinical testing. Allele origin: germline. Affected: yes.
Comment: The Q246L variant has not been published as a pathogenic variant, nor has it been reported as a benign variant to our knowledge. The variant is not observed in large population cohorts (Lek et al., 2016). Q246L is a non-conservative amino acid substitution, which is likely to impact secondary protein structure as these residues differ in polarity, charge, size and/or other properties. In-silico analyses, including protein predictors and evolutionary conservation, support a deleterious effect. In summary, based on the currently available information, it is unclear whether this variant is a pathogenic variant or a rare benign variant.